The following is an entry in ClinVar:

ClinVar aggregate classification (germline): Conflicting classifications of pathogenicity. Review status: criteria provided, conflicting classifications (1 of 4 stars). 3 submissions from 3 submitters: Uncertain significance (1); Likely benign (2). Last evaluated 2024-10-28.

Conditions:
Familial acute necrotizing encephalopathy (IIAE3). Also called: Susceptibility to Acute Necrotizing Encephalopathy 1; ENCEPHALOPATHY, ACUTE, INFECTION-INDUCED, SUSCEPTIBILITY TO, 3. Identifiers: Orphanet 88619, MedGen C2675556, MONDO:0011953, OMIM 608033.

Allele frequency attached by ClinVar (database versions not stated): ExAC 0.00032; gnomAD exomes 0.00035 and 0.00062; TOPMed 0.00038; gnomAD 0.00040 and 0.00041; ESP Exome Variant Server 0.00054.
gnomAD v4.1: 958 of 1,613,878 alleles (0.059%); highest among the groups gnomAD compares: Non-Finnish European, 0.076%; no homozygotes.

Submissions (3):

Blueprint Genetics
Classification: Likely benign. Last evaluated: 2024-10-28. Review status: criteria provided, single submitter. Criteria: ACMG Guidelines, 2015. Collection method: clinical testing. Allele origin: germline.

Labcorp Genetics (formerly Invitae), Labcorp
Classification: Likely benign for Familial acute necrotizing encephalopathy. Last evaluated: 2022-09-19. Review status: criteria provided, single submitter. Criteria: Invitae Variant Classification Sherloc (09022015). Collection method: clinical testing. Allele origin: germline.

GeneDx
Classification: Uncertain significance. Last evaluated: 2018-03-08. Review status: criteria provided, single submitter. Criteria: GeneDx Variant Classification (06012015). Collection method: clinical testing. Allele origin: germline. Affected: yes.
Comment: The T2656A variant has not been published as a pathogenic variant, nor has it been reported as a benign variant to our knowledge. A single functional study found that T2656A was associated with severely reduced RAN-binding protein 2 E3 ligase activity (Pichler et al. 2004). The T2656A variant is observed in 86/126,622 (0.07%) alleles from individuals of European background, in the ExAC dataset (Lek et al., 2016). The T2656A variant is a non-conservative amino acid substitution, which is likely to impact secondary protein structure as these residues differ in polarity, charge, size and/or other properties. In-silico analyses, including protein predictors and evolutionary conservation, support a deleterious effect. In summary, based on the currently available information, it is unclear whether this variant is a pathogenic variant or a rare benign variant.

NM_006267.5(RANBP2):c.7966A>G (p.Thr2656Ala)

Gene: RANBP2 (RAN binding protein 2; plus strand). Cytogenetic location: 2q13.
Variant type: single nucleotide variant.
Coding change: c.7966A>G on transcript NM_006267.5 (MANE Select); coding-DNA position 7966, A replaced by G.
Protein change: p.Thr2656Ala; replaces threonine 2656 with alanine.
Molecular consequence: missense variant.
Genome position (GRCh38, 1-based): chr2:108,771,817, A>G. VCF-style: chr2-108771817-A-G. GRCh37 (hg19) VCF-style: chr2-109388273-A-G.
Other names: short protein forms T2656A.
Identifiers: ClinVar variation 426227 (VCV000426227.14), dbSNP rs148596328, ClinGen allele CA1823710.